The following is an entry in ClinVar:

NM_002334.4(LRP4):c.1126G>A (p.Val376Met)

Gene: LRP4 (LDL receptor related protein 4; minus strand). Cytogenetic location: 11p11.2.
Variant type: single nucleotide variant.
Coding change: c.1126G>A on transcript NM_002334.4 (MANE Select); coding-DNA position 1126, G replaced by A.
Protein change: p.Val376Met; replaces valine 376 with methionine.
Molecular consequence: missense variant.
Genome position (GRCh38, 1-based): chr11:46,895,941, C>T on the plus strand (G>A on the coding strand, the complement: LRP4 is on the minus strand). VCF-style: chr11-46895941-C-T. GRCh37 (hg19) VCF-style: chr11-46917492-C-T.
Other names: short protein forms V376M.
Identifiers: ClinVar variation 467778 (VCV000467778.8), dbSNP rs1243051904, ClinGen allele CA380287236.
Genomic context (GRCh38, chr11:46,895,941, plus strand): 5'-CACCTTGGCACGTGTGCCCATCCTCTGTGAGCCGGTAGCCTGTGTGGCAGGTACACTGCA[C>T]TGCCCCCCGCACCATCTGGCACTTCTGGGCACAGCCACCGTTGTTAACATTGCAGTTCTC-3'
Protein context (NP_002325.2, residues 366-386): AQKCQMVRGA[Val376Met]QCTCHTGYRL

ClinVar aggregate classification (germline): Uncertain significance (1 of 4 stars; one submission).

Conditions:
Congenital myasthenic syndrome 17. Identifiers: Orphanet 590, MedGen C4225377, MONDO:0014578, OMIM 616304.
Cenani-Lenz syndactyly syndrome. Also called: CENANI SYNDACTYLISM; SYNDACTYLY, TYPE VII. Identifiers: Orphanet 3258, MedGen C1859309, MONDO:0008931, OMIM 212780.
Sclerosteosis 2 (SOST2). Identifiers: Orphanet 3152, MedGen C3280402, MONDO:0013679, OMIM 614305.

Allele frequency attached by ClinVar (database versions not stated): gnomAD exomes below 0.00001.
gnomAD v4.1: 1 of 1,614,014 alleles (0.000062%); highest among the groups gnomAD compares: South Asian, 0.0011%; no homozygotes.

Submission:

Labcorp Genetics (formerly Invitae), Labcorp
Classification: Uncertain significance for Cenani-Lenz syndactyly syndrome; Sclerosteosis 2; Congenital myasthenic syndrome 17. Last evaluated: 2022-02-03. Review status: criteria provided, single submitter. Criteria: Invitae Variant Classification Sherloc (09022015). Collection method: clinical testing. Allele origin: germline.
Comment: ClinVar contains an entry for this variant (Variation ID: 467778). In summary, the available evidence is currently insufficient to determine the role of this variant in disease. Therefore, it has been classified as a Variant of Uncertain Significance. Algorithms developed to predict the effect of missense changes on protein structure and function are either unavailable or do not agree on the potential impact of this missense change (SIFT: "Deleterious"; PolyPhen-2: "Probably Damaging"; Align-GVGD: "Class C0"). This variant has not been reported in the literature in individuals affected with LRP4-related conditions. The frequency data for this variant in the population databases is considered unreliable, as metrics indicate poor data quality at this position in the gnomAD database. This sequence change replaces valine, which is neutral and non-polar, with methionine, which is neutral and non-polar, at codon 376 of the LRP4 protein (p.Val376Met).